The following is an entry in ClinVar:

ClinVar aggregate classification (germline): Uncertain significance (1 of 4 stars; one submission).

gnomAD v4.1: 3 of 1,609,704 alleles (0.00019%); highest among the groups gnomAD compares: Non-Finnish European, 0.000085%; no homozygotes.

Submission:

Labcorp Genetics (formerly Invitae), Labcorp
Classification: Uncertain significance. Last evaluated: 2024-02-11. Review status: criteria provided, single submitter. Criteria: Invitae Variant Classification Sherloc (09022015). Collection method: clinical testing. Allele origin: germline.
Comment: This sequence change falls in intron 9 of the BUB1 gene. It does not directly change the encoded amino acid sequence of the BUB1 protein. This variant is present in population databases (rs373877428, gnomAD 0.0009%). This variant has not been reported in the literature in individuals affected with BUB1-related conditions. Algorithms developed to predict the effect of sequence changes on RNA splicing suggest that this variant may disrupt the consensus splice site. In summary, the available evidence is currently insufficient to determine the role of this variant in disease. Therefore, it has been classified as a Variant of Uncertain Significance.

NM_004336.5(BUB1):c.958-13T>A

Gene: BUB1 (BUB1 mitotic checkpoint serine/threonine kinase; minus strand). Cytogenetic location: 2q13.
Variant type: single nucleotide variant.
Coding change: c.958-13T>A on transcript NM_004336.5 (MANE Select); 13 bases into the intron before coding-DNA position 958, T replaced by A.
Molecular consequence: intron variant.
Genome position (GRCh38, 1-based): chr2:110,661,854, A>T on the plus strand (T>A on the coding strand, the complement: BUB1 is on the minus strand). VCF-style: chr2-110661854-A-T. GRCh37 (hg19) VCF-style: chr2-111419431-A-T.
Other names: c.898-13T>A (NM_001278616.2); c.958-13T>A (NM_001278617.2).
Identifiers: ClinVar variation 3630995 (VCV003630995.2).